The following is an entry in ClinVar:

NM_000222.3(KIT):c.239A>G (p.Asn80Ser)

Gene: KIT (KIT proto-oncogene, receptor tyrosine kinase; plus strand). Cytogenetic location: 4q12.
Variant type: single nucleotide variant.
Coding change: c.239A>G on transcript NM_000222.3 (MANE Select); coding-DNA position 239, A replaced by G.
Protein change: p.Asn80Ser; replaces asparagine 80 with serine.
Molecular consequence: missense variant.
Genome position (GRCh38, 1-based): chr4:54,695,683, A>G. VCF-style: chr4-54695683-A-G. GRCh37 (hg19) VCF-style: chr4-55561849-A-G.
Other names: c.239A>G, p.Asn80Ser (NM_001093772.2, NM_001385284.1, NM_001385285.1 and 4 more transcripts); short protein forms N80S.
Identifiers: ClinVar variation 578481 (VCV000578481.14), dbSNP rs1268194684, ClinGen allele CA356897139.
Genomic context (GRCh38, chr4:54,695,683, plus strand): 5'-ATCCGGGCTTTGTCAAATGGACTTTTGAGATCCTGGATGAAACGAATGAGAATAAGCAGA[A>G]TGAATGGATCACGGAAAAGGCAGAAGCCACCAACACCGGCAAATACACGTGCACCAACAA-3'
Protein context (NP_000213.1, residues 70-90): ILDETNENKQ[Asn80Ser]EWITEKAEAT

ClinVar aggregate classification (germline): Conflicting classifications of pathogenicity. Review status: criteria provided, conflicting classifications (1 of 4 stars). 2 submissions from 2 submitters: Uncertain significance (1); Likely benign (1). Last evaluated 2026-01-11.

Conditions:
Hereditary cancer-predisposing syndrome. Also called: Hereditary Cancer Syndrome; Tumor predisposition; Neoplastic Syndromes, Hereditary; Hereditary neoplastic syndrome. Identifiers: Orphanet 140162, MedGen C0027672, MeSH D009386, MONDO:0015356.
Gastrointestinal stromal tumor. Also called: Gastrointestinal stromal tumor, somatic; Gastrointestinal stroma tumor. Identifiers: Orphanet 44890, MedGen C0238198, MeSH D046152, MONDO:0011719, OMIM 606764, HP:0100723.

Allele frequency attached by ClinVar (database versions not stated): gnomAD 0.00001 and 0.00002; TOPMed 0.00001.
gnomAD v4.1: 2 of 1,614,132 alleles (0.00012%); highest among the groups gnomAD compares: African/African-American, 0.0013%; no homozygotes.

Submissions (2):

Labcorp Genetics (formerly Invitae), Labcorp
Classification: Uncertain significance for Gastrointestinal stromal tumor. Last evaluated: 2026-01-11. Review status: criteria provided, single submitter. Criteria: Invitae Variant Classification Sherloc (09022015). Collection method: clinical testing. Allele origin: germline.
Comment: This sequence change replaces asparagine, which is neutral and polar, with serine, which is neutral and polar, at codon 80 of the KIT protein (p.Asn80Ser). This variant is present in population databases (no rsID available, gnomAD 0.01%). This variant has not been reported in the literature in individuals affected with KIT-related conditions. ClinVar contains an entry for this variant (Variation ID: 578481). An algorithm developed to predict the effect of missense changes on protein structure and function outputs the following: PolyPhen-2: "Benign". The serine amino acid residue is found in multiple mammalian species, which suggests that this missense change does not adversely affect protein function. In summary, the available evidence is currently insufficient to determine the role of this variant in disease. Therefore, it has been classified as a Variant of Uncertain Significance.

Ambry Genetics
Classification: Likely benign for Hereditary cancer-predisposing syndrome. Last evaluated: 2024-03-26. Review status: criteria provided, single submitter. Criteria: Ambry Variant Classification Scheme 2023. Collection method: clinical testing. Allele origin: germline.